The following is an entry in ClinVar:

NM_020987.5(ANK3):c.3589del (p.Ala1197fs)

Gene: ANK3 (ankyrin 3; minus strand). Cytogenetic location: 10q21.2.
Variant type: Deletion.
Coding change: c.3589del on transcript NM_020987.5 (MANE Select); coding-DNA position 3589, one base deleted (G; older notation c.3589delG).
Protein change: p.Ala1197fs; shifts the reading frame from alanine 1197.
Molecular consequence: frameshift variant.
Genome position (GRCh38, 1-based): chr10:60,086,836, C deleted on the plus strand (G on the coding strand, the reverse complement: ANK3 is on the minus strand). VCF-style (leftmost placement, unchanged base first): chr10-60086835-GC-G. GRCh37 (hg19) VCF-style: chr10-61846593-GC-G.
Other names: c.3589del, p.Ala1197fs (NM_001320874.2); c.991del, p.Ala331fs (NM_001149.4); c.3571del, p.Ala1191fs (NM_001204403.2); c.3592del, p.Ala1198fs (NM_001204404.2); short protein forms A1191fs, A1197fs, A1198fs, A331fs.
Identifiers: ClinVar variation 4082355 (VCV004082355.1).

ClinVar aggregate classification (germline): Pathogenic (1 of 4 stars; one submission).

Conditions:
Intellectual developmental disorder, autosomal recessive 37. Also called: Intellectual disability-hypotonia-spasticity-sleep disorder syndrome. Identifiers: Orphanet 356996, MedGen C3809672, MONDO:0014210, OMIM 615493.

Submission:

Institute of Human Genetics, University of Leipzig Medical Center
Classification: Pathogenic for Intellectual developmental disorder, autosomal recessive 37. Last evaluated: 2025-07-01. Review status: criteria provided, single submitter. Criteria: ACMG Guidelines, 2015. Collection method: clinical testing. Allele origin: de novo. Inheritance: Autosomal dominant inheritance. Affected: yes.
Comment: Criteria applied: PVS1,PS2_MOD,PM2